The following is an entry in ClinVar:

NM_005045.4(RELN):c.8041C>T (p.Gln2681Ter)

Gene: RELN (reelin; minus strand). Cytogenetic location: 7q22.1.
Variant type: single nucleotide variant.
Coding change: c.8041C>T on transcript NM_005045.4 (MANE Select); coding-DNA position 8041, C replaced by T.
Protein change: p.Gln2681Ter; replaces glutamine 2681 with a stop codon.
Molecular consequence: nonsense.
Genome position (GRCh38, 1-based): chr7:103,515,263, G>A on the plus strand (C>T on the coding strand, the complement: RELN is on the minus strand). VCF-style: chr7-103515263-G-A. GRCh37 (hg19) VCF-style: chr7-103155710-G-A.
Other names: c.8041C>T, p.Gln2681Ter (NM_173054.3); short protein forms Q2681*.
Identifiers: ClinVar variation 2951860 (VCV002951860.3), dbSNP rs2484740883, ClinGen allele CA368762901.

ClinVar aggregate classification (germline): Pathogenic (1 of 4 stars; one submission).

Conditions:
Norman-Roberts syndrome (LIS2). Also called: Lissencephaly 2 (Norman-Roberts type). Identifiers: Orphanet 89844, MedGen C0796089, MONDO:0009760, OMIM 257320.
Familial temporal lobe epilepsy 7. Identifiers: Orphanet 101046, MedGen C4225327, MONDO:0014639, OMIM 616436.

Submission:

Labcorp Genetics (formerly Invitae), Labcorp
Classification: Pathogenic for Familial temporal lobe epilepsy 7; Norman-Roberts syndrome. Last evaluated: 2023-09-11. Review status: criteria provided, single submitter. Criteria: Invitae Variant Classification Sherloc (09022015). Collection method: clinical testing. Allele origin: germline.
Comment: For these reasons, this variant has been classified as Pathogenic. This variant has not been reported in the literature in individuals affected with RELN-related conditions. This variant is not present in population databases (gnomAD no frequency). This sequence change creates a premature translational stop signal (p.Gln2681*) in the RELN gene. It is expected to result in an absent or disrupted protein product. Loss-of-function variants in RELN are known to be pathogenic (PMID: 10973257, 26046367, 28454995).

Literature cited by the submitters: PubMed 10973257; PubMed 26046367; PubMed 28454995.